The following is an entry in ClinVar:

ClinVar aggregate classification (germline): Uncertain significance. Review status: criteria provided, multiple submitters, no conflicts (2 of 4 stars). 2 submissions from 2 submitters: Uncertain significance (2). Last evaluated 2025-04-07.

Conditions:
Juvenile polyposis syndrome (JPS). Identifiers: Orphanet 2929, MedGen C0345893, MONDO:0017380, OMIM 174900.
Hereditary cancer-predisposing syndrome. Also called: Neoplastic Syndromes, Hereditary; Hereditary Cancer Syndrome; Hereditary neoplastic syndrome; Tumor predisposition. Identifiers: Orphanet 140162, MedGen C0027672, MeSH D009386, MONDO:0015356.

Submissions (2):

Ambry Genetics
Classification: Uncertain significance for Hereditary cancer-predisposing syndrome. Last evaluated: 2025-04-07. Review status: criteria provided, single submitter. Criteria: Ambry Variant Classification Scheme 2023. Collection method: clinical testing. Allele origin: germline.
Comment: The p.N485H variant (also known as c.1453A>C), located in coding exon 10 of the BMPR1A gene, results from an A to C substitution at nucleotide position 1453. The asparagine at codon 485 is replaced by histidine, an amino acid with similar properties. This amino acid position is highly conserved in available vertebrate species. In addition, the in silico prediction for this alteration is inconclusive. Since supporting evidence is limited at this time, the clinical significance of this alteration remains unclear.

Labcorp Genetics (formerly Invitae), Labcorp
Classification: Uncertain significance for Juvenile polyposis syndrome. Last evaluated: 2025-03-05. Review status: criteria provided, single submitter. Criteria: Invitae Variant Classification Sherloc (09022015). Collection method: clinical testing. Allele origin: germline.
Comment: This sequence change replaces asparagine, which is neutral and polar, with histidine, which is basic and polar, at codon 485 of the BMPR1A protein (p.Asn485His). This variant is not present in population databases (gnomAD no frequency). This variant has not been reported in the literature in individuals affected with BMPR1A-related conditions. ClinVar contains an entry for this variant (Variation ID: 640914). Invitae Evidence Modeling of protein sequence and biophysical properties (such as structural, functional, and spatial information, amino acid conservation, physicochemical variation, residue mobility, and thermodynamic stability) indicates that this missense variant is not expected to disrupt BMPR1A protein function with a negative predictive value of 80%. In summary, the available evidence is currently insufficient to determine the role of this variant in disease. Therefore, it has been classified as a Variant of Uncertain Significance.

NM_004329.3(BMPR1A):c.1453A>C (p.Asn485His)

Gene: BMPR1A (bone morphogenetic protein receptor type 1A; plus strand). Cytogenetic location: 10q23.2.
Variant type: single nucleotide variant.
Coding change: c.1453A>C on transcript NM_004329.3 (MANE Select); coding-DNA position 1453, A replaced by C.
Protein change: p.Asn485His; replaces asparagine 485 with histidine.
Molecular consequence: missense variant.
Genome position (GRCh38, 1-based): chr10:86,923,486, A>C. VCF-style: chr10-86923486-A-C. GRCh37 (hg19) VCF-style: chr10-88683243-A-C.
Other names: short protein forms N485H.
Identifiers: ClinVar variation 640914 (VCV000640914.13), dbSNP rs1589293506, ClinGen allele CA377463157.
Genomic context (GRCh38, chr10:86,923,486, plus strand): 5'-CCGTCATACGAAGATATGCGTGAGGTTGTGTGTGTCAAACGTTTGCGGCCAATTGTGTCT[A>C]ATCGGTGGAACAGTGATGAAGTGAGTGGAACTCAGTCCCCTGAAGAAGTGATTCGTAAAT-3'
Protein context (NP_004320.2, residues 475-495): CVKRLRPIVS[Asn485His]RWNSDECLRA